The following is an entry in ClinVar:

ClinVar aggregate classification (germline): Uncertain significance (1 of 4 stars; one submission).

Conditions:
Andersen Tawil syndrome (LQT7). Also called: Potassium-sensitive periodic paralysis, ventricular ectopy, and dysmorphic features; ANDERSEN CARDIODYSRHYTHMIC PERIODIC PARALYSIS; PERIODIC PARALYSIS, POTASSIUM-SENSITIVE CARDIODYSRHYTHMIC TYPE; Andersen Syndrome; LONG QT SYNDROME 7. Identifiers: Orphanet 37553, MedGen C1563715, MONDO:0008222, OMIM 170390.
Short QT syndrome type 3. Identifiers: Orphanet 51083, MedGen C1865018, MONDO:0012314, OMIM 609622.

Submission:

Labcorp Genetics (formerly Invitae), Labcorp
Classification: Uncertain significance for Short QT syndrome type 3; Andersen Tawil syndrome. Last evaluated: 2022-07-12. Review status: criteria provided, single submitter. Criteria: Invitae Variant Classification Sherloc (09022015). Collection method: clinical testing. Allele origin: germline.
Comment: This sequence change replaces glutamic acid, which is acidic and polar, with valine, which is neutral and non-polar, at codon 363 of the KCNJ2 protein (p.Glu363Val). This variant is not present in population databases (gnomAD no frequency). This variant has not been reported in the literature in individuals affected with KCNJ2-related conditions. Algorithms developed to predict the effect of missense changes on protein structure and function are either unavailable or do not agree on the potential impact of this missense change (SIFT: "Deleterious"; PolyPhen-2: "Probably Damaging"; Align-GVGD: "Class C15"). In summary, the available evidence is currently insufficient to determine the role of this variant in disease. Therefore, it has been classified as a Variant of Uncertain Significance.

NM_000891.3(KCNJ2):c.1088A>T (p.Glu363Val)

Gene: KCNJ2 (potassium inwardly rectifying channel subfamily J member 2; plus strand). Cytogenetic location: 17q24.3.
Variant type: single nucleotide variant.
Coding change: c.1088A>T on transcript NM_000891.3 (MANE Select); coding-DNA position 1088, A replaced by T.
Protein change: p.Glu363Val; replaces glutamic acid 363 with valine.
Molecular consequence: missense variant.
Genome position (GRCh38, 1-based): chr17:70,176,127, A>T. VCF-style: chr17-70176127-A-T. GRCh37 (hg19) VCF-style: chr17-68172268-A-T.
Other names: short protein forms E363V.
Identifiers: ClinVar variation 1377371 (VCV001377371.6), dbSNP rs2074391294, ClinGen allele CA400863452.
Genomic context (GRCh38, chr17:70,176,127, plus strand): 5'-GGTTCCACAAAACTTACGAAGTCCCCAACACTCCCCTTTGTAGTGCCAGAGACTTAGCAG[A>T]AAAGAAATATATCCTCTCAAATGCAAATTCATTTTGCTATGAAAATGAAGTTGCCCTCAC-3'
Protein context (NP_000882.1, residues 353-373): TPLCSARDLA[Glu363Val]KKYILSNANS